The following is an entry in ClinVar:

NM_000138.5(FBN1):c.1533C>T (p.Tyr511=)

Gene: FBN1 (fibrillin 1; minus strand). Cytogenetic location: 15q21.1.
Variant type: single nucleotide variant.
Coding change: c.1533C>T on transcript NM_000138.5 (MANE Select); coding-DNA position 1533, C replaced by T.
Protein change: p.Tyr511=; no amino-acid change (tyrosine 511 retained).
Molecular consequence: synonymous variant.
Genome position (GRCh38, 1-based): chr15:48,513,604, G>A on the plus strand (C>T on the coding strand, the complement: FBN1 is on the minus strand). VCF-style: chr15-48513604-G-A. GRCh37 (hg19) VCF-style: chr15-48805801-G-A.
Identifiers: ClinVar variation 413902 (VCV000413902.33), dbSNP rs1060504146, ClinGen allele CA16614531.

ClinVar aggregate classification (germline): Likely benign. Review status: criteria provided, multiple submitters, no conflicts (2 of 4 stars). 3 submissions from 3 submitters: Likely benign (3). Last evaluated 2024-09-24.

Conditions:
Marfan syndrome (MFS). Also called: FBN1-Related Marfan Syndrome; MARFAN SYNDROME, TYPE I; Marfan syndrome, classic; Marfan syndrome type 1; Marfan's syndrome. Identifiers: Orphanet 284963, Orphanet 558, MedGen C0024796, MONDO:0007947, OMIM 154700.
Familial thoracic aortic aneurysm and aortic dissection (TAAD). Also called: Thoracic aortic aneurysms and dissections. Identifiers: Orphanet 91387, MedGen C4707243, MONDO:0019625.

Allele frequency attached by ClinVar (database versions not stated): gnomAD exomes below 0.00001; gnomAD 0.00001.
gnomAD v4.1: 2 of 1,613,914 alleles (0.00012%); highest among the groups gnomAD compares: East Asian, 0.0022%; no homozygotes.

Submissions (3):

Color Diagnostics, LLC DBA Color Health
Classification: Likely benign for Familial thoracic aortic aneurysm and aortic dissection. Last evaluated: 2024-09-24. Review status: criteria provided, single submitter. Criteria: ACMG Guidelines, 2015. Collection method: clinical testing. Allele origin: germline.

CeGaT Center for Human Genetics Tuebingen
Classification: Likely benign. Last evaluated: 2024-02-01. Review status: criteria provided, single submitter. Criteria: CeGaT Center For Human Genetics Tuebingen Variant Classification Criteria Version 2. Collection method: clinical testing. Allele origin: germline. Affected: yes. Observed: 1 variant allele.
Comment: FBN1: BP4, BP7

Labcorp Genetics (formerly Invitae), Labcorp
Classification: Likely benign for Marfan syndrome; Familial thoracic aortic aneurysm and aortic dissection. Last evaluated: 2022-08-23. Review status: criteria provided, single submitter. Criteria: Invitae Variant Classification Sherloc (09022015). Collection method: clinical testing. Allele origin: germline.